The following is an entry in ClinVar:

NM_004100.5(EYA4):c.24T>G (p.Asn8Lys)

Gene: EYA4 (EYA transcriptional coactivator and phosphatase 4; plus strand). Cytogenetic location: 6q23.2.
Variant type: single nucleotide variant.
Coding change: c.24T>G on transcript NM_004100.5 (MANE Select); coding-DNA position 24, T replaced by G.
Protein change: p.Asn8Lys; replaces asparagine 8 with lysine.
Molecular consequence: missense variant.
Genome position (GRCh38, 1-based): chr6:133,274,804, T>G. VCF-style: chr6-133274804-T-G. GRCh37 (hg19) VCF-style: chr6-133595942-T-G.
Other names: c.24T>G, p.Asn8Lys (NM_001301012.2, NM_001301013.2, NM_001370458.1 and 3 more transcripts); short protein forms N8K.
Identifiers: ClinVar variation 2960582 (VCV002960582.3), dbSNP rs1777028797, ClinGen allele CA365837732.

ClinVar aggregate classification (germline): Uncertain significance (1 of 4 stars; one submission).

Conditions:
Dilated cardiomyopathy 1J (CMD1J). Also called: CARDIOMYOPATHY, DILATED, WITH SENSORINEURAL HEARING LOSS, AUTOSOMAL DOMINANT. Identifiers: Orphanet 217622, MedGen C1854368, MONDO:0011541, OMIM 605362.

Allele frequency attached by ClinVar (database versions not stated): gnomAD exomes below 0.00001; TOPMed below 0.00001.
gnomAD v4.1: 1 of 1,613,724 alleles (0.000062%); highest among the groups gnomAD compares: Non-Finnish European, 0.000085%; no homozygotes.

Submission:

Labcorp Genetics (formerly Invitae), Labcorp
Classification: Uncertain significance for Dilated cardiomyopathy 1J. Last evaluated: 2022-12-20. Review status: criteria provided, single submitter. Criteria: Invitae Variant Classification Sherloc (09022015). Collection method: clinical testing. Allele origin: germline.
Comment: This variant has not been reported in the literature in individuals affected with EYA4-related conditions. Algorithms developed to predict the effect of missense changes on protein structure and function (SIFT, PolyPhen-2, Align-GVGD) all suggest that this variant is likely to be tolerated. In summary, the available evidence is currently insufficient to determine the role of this variant in disease. Therefore, it has been classified as a Variant of Uncertain Significance. This variant is not present in population databases (gnomAD no frequency). This sequence change replaces asparagine, which is neutral and polar, with lysine, which is basic and polar, at codon 8 of the EYA4 protein (p.Asn8Lys).